The following is an entry in ClinVar:

ClinVar aggregate classification (germline): Uncertain significance (1 of 4 stars; one submission).

Conditions:
Epilepsy, familial focal, with variable foci 3 (FFEVF3). Identifiers: MedGen C4310708, MONDO:0014925, OMIM 617118.

Submission:

Labcorp Genetics (formerly Invitae), Labcorp
Classification: Uncertain significance for Epilepsy, familial focal, with variable foci 3. Last evaluated: 2023-06-14. Review status: criteria provided, single submitter. Criteria: Invitae Variant Classification Sherloc (09022015). Collection method: clinical testing. Allele origin: germline.
Comment: In summary, the available evidence is currently insufficient to determine the role of this variant in disease. Therefore, it has been classified as a Variant of Uncertain Significance. This sequence change creates a premature translational stop signal (p.Arg523Alafs*31) in the NPRL3 gene. While this is not anticipated to result in nonsense mediated decay, it is expected to disrupt the last 47 amino acid(s) of the NPRL3 protein. This variant is not present in population databases (gnomAD no frequency). This variant has not been reported in the literature in individuals affected with NPRL3-related conditions. This variant disrupts a region of the NPRL3 protein in which other variant(s) (p.Ser549Arg) have been observed in individuals with NPRL3-related conditions (Invitae). This suggests that this is a clinically significant region of the protein, and that variants that disrupt it are likely to be disease-causing.

NM_001077350.3(NPRL3):c.1567del (p.Arg523fs)

Gene: NPRL3 (NPR3 like, GATOR1 complex subunit; minus strand). Cytogenetic location: 16p13.3.
Variant type: Deletion.
Coding change: c.1567del on transcript NM_001077350.3 (MANE Select); coding-DNA position 1567, one base deleted (C; older notation c.1567delC).
Protein change: p.Arg523fs; shifts the reading frame from arginine 523.
Molecular consequence: frameshift variant.
Genome position (GRCh38, 1-based): chr16:86,848, G deleted on the plus strand (C on the coding strand, the reverse complement: NPRL3 is on the minus strand); the first of 2 consecutive G bases (chr16:86,848-86,849); deleting either gives the same sequence. VCF-style (leftmost placement, unchanged base first): chr16-86847-CG-C. GRCh37 (hg19) VCF-style: chr16-136846-CG-C.
Other names: c.1030del, p.Arg344fs (NM_001039476.3); c.1333del, p.Arg445fs (NM_001243247.2); c.1492del, p.Arg498fs (NM_001243248.2, NM_001243249.2); short protein forms R344fs, R445fs, R498fs, R523fs.
Identifiers: ClinVar variation 2713340 (VCV002713340.3), dbSNP rs2542791754, ClinGen allele CA2697549424.